The following is an entry in ClinVar:

NM_023110.3(FGFR1):c.1497G>A (p.Gly499=)

Gene: FGFR1 (fibroblast growth factor receptor 1; minus strand). Cytogenetic location: 8p11.23.
Variant type: single nucleotide variant.
Coding change: c.1497G>A on transcript NM_023110.3 (MANE Select); coding-DNA position 1497, G replaced by A.
Protein change: p.Gly499=; no amino-acid change (glycine 499 retained).
Molecular consequence: synonymous variant.
Genome position (GRCh38, 1-based): chr8:38,417,925, C>T on the plus strand (G>A on the coding strand, the complement: FGFR1 is on the minus strand). VCF-style: chr8-38417925-C-T. GRCh37 (hg19) VCF-style: chr8-38275443-C-T.
Other names: c.1497G>A, p.Gly499= (NM_000604.2); c.1491G>A, p.Gly497= (NM_001174063.2, NM_001174065.2, NM_001354367.2 and 1 more transcripts); c.1467G>A, p.Gly489= (NM_001174064.2); c.1230G>A, p.Gly410= (NM_001174066.2, NM_023105.3); c.1590G>A, p.Gly530= (NM_001174067.2); c.1218G>A, p.Gly406= (NM_001354368.2); c.1485G>A, p.Gly495= (NM_001354369.2, NM_001410922.1); c.1224G>A, p.Gly408= (NM_001354370.2, NM_023106.3).
Identifiers: ClinVar variation 3052851 (VCV003052851.2), dbSNP rs2150652745, ClinGen allele CA460499321.

ClinVar aggregate classification (germline): Likely benign (0 of 4 stars; one submission).

Conditions:
FGFR1-related disorder. Also called: FGFR1-related disorders; FGFR1-related condition. Identifiers: MedGen CN380097.

Submission:

PreventionGenetics, part of Exact Sciences
Classification: Likely benign for FGFR1-related condition. Last evaluated: 2023-03-26. Review status: no assertion criteria provided. Collection method: clinical testing. Allele origin: germline.
Comment: This variant is classified as likely benign based on ACMG/AMP sequence variant interpretation guidelines (Richards et al. 2015 PMID: 25741868, with internal and published modifications).